The following is an entry in ClinVar:

ClinVar aggregate classification (germline): Uncertain significance (1 of 4 stars; one submission).

Submission:

Ambry Genetics
Classification: Uncertain significance. Last evaluated: 2026-01-17. Review status: criteria provided, single submitter. Criteria: Ambry Variant Classification Scheme 2023. Collection method: clinical testing. Allele origin: germline.
Comment: The p.T525A variant (also known as c.1573A>G), located in coding exon 16 of the SLMAP gene, results from an A to G substitution at nucleotide position 1573. The threonine at codon 525 is replaced by alanine, an amino acid with similar properties. This amino acid position is conserved. In addition, this alteration is predicted to be tolerated by in silico analysis. Based on the available evidence, the clinical significance of this variant remains unclear.

NM_001377540.1(SLMAP):c.1675A>G (p.Thr559Ala)

Gene: SLMAP (sarcolemma associated protein; plus strand). Cytogenetic location: 3p14.3.
Variant type: single nucleotide variant.
Coding change: c.1675A>G on transcript NM_001377540.1 (MANE Select); coding-DNA position 1675, A replaced by G.
Protein change: p.Thr559Ala; replaces threonine 559 with alanine.
Molecular consequence: missense variant. On other transcripts: non-coding transcript variant (1), intron variant (1).
Genome position (GRCh38, 1-based): chr3:57,909,126, A>G. VCF-style: chr3-57909126-A-G. GRCh37 (hg19) VCF-style: chr3-57894853-A-G.
Other names: c.1624A>G, p.Thr542Ala (NM_001304420.3, NM_001377541.1, NM_001377542.1); c.1510A>G, p.Thr504Ala (NM_001304421.2, NM_001377557.1, NM_001377559.1); c.1573A>G, p.Thr525Ala (NM_001377549.1, NM_007159.5); c.1561A>G, p.Thr521Ala (NM_001377551.1, NM_001377552.1); c.1552A>G, p.Thr518Ala (NM_001377555.1); c.1501A>G, p.Thr501Ala (NM_001377562.1, NM_001377921.1); c.1489A>G, p.Thr497Ala (NM_001377922.1); c.1450A>G, p.Thr484Ala (NM_001377923.1); and 8 more; short protein forms T504A, T521A, T559A, T76A, T480A, T538A, T542A, T35A.
Identifiers: ClinVar variation 4844304 (VCV004844304.1).
Genomic context (GRCh38, chr3:57,909,126, plus strand): 5'-TTACTTTTAGCTCTTTTGGAAGAAGAAAGAAAAGCCTATCGAAATCAAGTTGAGGAATCC[A>G]CTAAACAAATACAGGTTCTTCAAGGTATGGAAGACCCCAAGGCTCTTTGAGATTGTTATT-3'
Protein context (NP_001364469.1, residues 549-569): KAYRNQVEES[Thr559Ala]KQIQVLQAQL